The following is an entry in ClinVar:

ClinVar aggregate classification (germline): Uncertain significance (1 of 4 stars; one submission).

Conditions:
Arrhythmogenic right ventricular dysplasia 10. Also called: Arrhythmogenic Right Ventricular Dysplasia/Cardiomyopathy10; ARRHYTHMOGENIC RIGHT VENTRICULAR DYSPLASIA, FAMILIAL, 10; Arrhythmogenic right ventricular dysplasia/cardiomyopathy, type 10. Identifiers: MedGen C1857777, MONDO:0012434, OMIM 610193.

Submission:

Labcorp Genetics (formerly Invitae), Labcorp
Classification: Uncertain significance for Arrhythmogenic right ventricular dysplasia 10. Last evaluated: 2022-07-15. Review status: criteria provided, single submitter. Criteria: Invitae Variant Classification Sherloc (09022015). Collection method: clinical testing. Allele origin: germline.
Comment: In summary, the available evidence is currently insufficient to determine the role of this variant in disease. Therefore, it has been classified as a Variant of Uncertain Significance. Algorithms developed to predict the effect of missense changes on protein structure and function are either unavailable or do not agree on the potential impact of this missense change (SIFT: "Deleterious"; PolyPhen-2: "Possibly Damaging"; Align-GVGD: "Class C0"). This variant has not been reported in the literature in individuals affected with DSG2-related conditions. This variant is not present in population databases (gnomAD no frequency). This sequence change replaces proline, which is neutral and non-polar, with leucine, which is neutral and non-polar, at codon 1086 of the DSG2 protein (p.Pro1086Leu).

NM_001943.5(DSG2):c.3257C>T (p.Pro1086Leu)

Genes: DSG2 (desmoglein 2; plus strand), DSG2-AS1 (DSG2 antisense RNA 1; minus strand). Cytogenetic location: 18q12.1.
Variant type: single nucleotide variant.
Coding change: c.3257C>T on transcript NM_001943.5 (MANE Select); coding-DNA position 3257, C replaced by T.
Protein change: p.Pro1086Leu; replaces proline 1086 with leucine.
Molecular consequence: missense variant.
Genome position (GRCh38, 1-based): chr18:31,546,643, C>T. VCF-style: chr18-31546643-C-T. GRCh37 (hg19) VCF-style: chr18-29126606-C-T.
Other names: short protein forms P1086L.
Identifiers: ClinVar variation 2016397 (VCV002016397.4), dbSNP rs1053431674, ClinGen allele CA297702669.